The following is an entry in ClinVar:

NM_001999.4(FBN2):c.6004A>G (p.Asn2002Asp)

Gene: FBN2 (fibrillin 2; minus strand). Cytogenetic location: 5q23.3.
Variant type: single nucleotide variant.
Coding change: c.6004A>G on transcript NM_001999.4 (MANE Select); coding-DNA position 6004, A replaced by G.
Protein change: p.Asn2002Asp; replaces asparagine 2002 with aspartic acid.
Molecular consequence: missense variant.
Genome position (GRCh38, 1-based): chr5:128,301,424, T>C on the plus strand (A>G on the coding strand, the complement: FBN2 is on the minus strand). VCF-style: chr5-128301424-T-C. GRCh37 (hg19) VCF-style: chr5-127637116-T-C.
Other names: short protein forms N2002D.
Identifiers: ClinVar variation 213343 (VCV000213343.19), dbSNP rs773305589, ClinGen allele CA324457.

ClinVar aggregate classification (germline): Uncertain significance. Review status: criteria provided, multiple submitters, no conflicts (2 of 4 stars). 6 submissions from 6 submitters: Uncertain significance (6). Last evaluated 2026-05-31.

Conditions:
FBN2-related disorder. Also called: FBN2-related condition.
Familial thoracic aortic aneurysm and aortic dissection (TAAD). Also called: Thoracic aortic aneurysms and dissections. Identifiers: Orphanet 91387, MedGen C4707243, MONDO:0019625.
Congenital contractural arachnodactyly (CCA). Also called: BEALS SYNDROME; Beals-Hecht syndrome; Arthrogryposis, distal, type 9. Identifiers: Orphanet 115, MedGen C0220668, MONDO:0007363, OMIM 121050.

Allele frequency attached by ClinVar (database versions not stated): TOPMed 0.00005; gnomAD exomes 0.00001 and 0.00002; ExAC 0.00002; gnomAD 0.00004 and 0.00005.
gnomAD v4.1: 40 of 1,613,408 alleles (0.0025%); highest among the groups gnomAD compares: Non-Finnish European, 0.0032%; no homozygotes.

Submissions (6):

Ambry Genetics
Classification: Uncertain significance for Familial thoracic aortic aneurysm and aortic dissection. Last evaluated: 2026-05-31. Review status: criteria provided, single submitter. Criteria: Ambry Variant Classification Scheme 2023. Collection method: clinical testing. Allele origin: germline.
Comment: The c.6004A>G (p.N2002D) alteration is located in exon 47 (coding exon 47) of the FBN2 gene. This alteration results from a A to G substitution at nucleotide position 6004, causing the asparagine (N) at amino acid position 2002 to be replaced by an aspartic acid (D). Based on data from gnomAD, the G allele has an overall frequency of 0.001% (3/251246) total alleles studied. The highest observed frequency was 0.003% (3/113644) of European (non-Finnish) alleles. Based on insufficient or conflicting evidence, the clinical significance of this alteration remains unclear.

Labcorp Genetics (formerly Invitae), Labcorp
Classification: Uncertain significance for Congenital contractural arachnodactyly. Last evaluated: 2025-01-07. Review status: criteria provided, single submitter. Criteria: Invitae Variant Classification Sherloc (09022015). Collection method: clinical testing. Allele origin: germline.
Comment: This sequence change replaces asparagine, which is neutral and polar, with aspartic acid, which is acidic and polar, at codon 2002 of the FBN2 protein (p.Asn2002Asp). This variant is present in population databases (rs773305589, gnomAD 0.003%). This missense change has been observed in individual(s) with aortic root dilation (internal data). ClinVar contains an entry for this variant (Variation ID: 213343). Invitae Evidence Modeling of protein sequence and biophysical properties (such as structural, functional, and spatial information, amino acid conservation, physicochemical variation, residue mobility, and thermodynamic stability) indicates that this missense variant is not expected to disrupt FBN2 protein function with a negative predictive value of 80%. In summary, the available evidence is currently insufficient to determine the role of this variant in disease. Therefore, it has been classified as a Variant of Uncertain Significance.

Pittsburgh Clinical Genomics Laboratory, University of Pittsburgh Medical Center
Classification: Uncertain significance for Congenital contractural arachnodactyly. Last evaluated: 2023-10-26. Review status: criteria provided, single submitter. Criteria: ACMG Guidelines, 2015. Collection method: clinical testing. Allele origin: germline. Inheritance: Autosomal dominant inheritance. Affected: yes.
Comment: This sequence variant is a single nucleotide substitution (A>G) at position 6004 of the coding sequence of the FBN2 gene that results in an asparagine to aspartic acid amino acid change at residue 2002 of the fibrillin 2 protein. This residue falls in the calcium binding EGF-like 33 domain which interacts with MFAP4 (Uniprot). This is a previously reported variant (ClinVar 213343) that has not been observed in individuals affected by a FBN2-related disorder in the published literature, to our knowledge. This variant is present in 10 of 403452 alleles (0.0025%) in the gnomAD population dataset. Multiple bioinformatic tools provide conflicting predictions concerning this asparagine to aspartic acid amino acid change, and the Asn2002 residue at this position is highly conserved across the vertebrate species examined. Studies examining the functional consequence of this variant have not been published, to our knowledge. At this time, there is insufficient evidence to determine if this variant is pathogenic or benign. Therefore, we consider this a variant of uncertain significance. ACMG Criteria: PM2

Blueprint Genetics
Classification: Uncertain significance. Last evaluated: 2023-09-22. Review status: criteria provided, single submitter. Criteria: ACMG Guidelines, 2015. Collection method: clinical testing. Allele origin: germline.

PreventionGenetics, part of Exact Sciences
Classification: Uncertain significance for FBN2-related condition. Last evaluated: 2023-01-31. Review status: criteria provided, single submitter. Criteria: ACMG Guidelines, 2015. Collection method: clinical testing. Allele origin: germline.
Comment: The FBN2 c.6004A>G variant is predicted to result in the amino acid substitution p.Asn2002Asp. To our knowledge, this variant has not been reported in the literature. This variant is reported in 0.0026% of alleles in individuals of European (Non-Finnish) descent in gnomAD. At this time, the clinical significance of this variant is uncertain due to the absence of conclusive functional and genetic evidence.

GeneDx
Classification: Uncertain significance. Last evaluated: 2017-06-26. Review status: criteria provided, single submitter. Criteria: GeneDx Variant Classification (06012015). Collection method: clinical testing. Allele origin: germline. Affected: yes.
Comment: p.Asn2002Asp (AAC>GAC): c.6004 A>G in exon 47 of the FBN2 gene (NM_001999.3) The N2002D variant has not been published as a mutation, nor has it been reported as a benign polymorphism to our knowledge. The N2002D variant was not observed in approximately 6,500 individuals of European and African American ancestry in the NHLBI Exome Sequencing Project, indicating it is not a common benign variant in these populations. The N2002D variant is a semi-conservative amino acid substitution, which may impact secondary protein structure as these residues differ in some properties. This substitution occurs at a position that is conserved in mammals. In silico analysis is inconsistent in its predictions as to whether or not the variant is damaging to the protein structure/function. Moreover, no missense mutations in nearby residues have been reported in association with CCA, indicating that this region of the protein may be tolerant to change. Therefore, based on the currently available information, it is unclear whether this variant is a pathogenic mutation or a rare benign variant. This variant was found in TAAD